The following is an entry in ClinVar:

ClinVar aggregate classification (germline): Pathogenic (1 of 4 stars; one submission).

Conditions:
CAMPOMELIC DYSPLASIA WITH AUTOSOMAL SEX REVERSAL. Identifiers: MedGen C1842462, OMIM 114290.

Submission:

Rady Children's Institute for Genomic Medicine, Rady Children's Hospital San Diego
Classification: Pathogenic for CAMPOMELIC DYSPLASIA WITH AUTOSOMAL SEX REVERSAL. Last evaluated: 2018-04-26. Review status: criteria provided, single submitter. Criteria: ACMG Guidelines, 2015. Collection method: clinical testing. Allele origin: germline. Affected: yes. Observed: 1 variant allele.
Comment: This variant has not been previously reported in affected individuals. The c.196G>T (p.Glu66Ter) variant detected in this individual is absent from the ExAC and gnomAD population databases. This variant is predicted to interrupt the reading frame with a premature stop codon, leading to reduced protein abundance via nonsense mediated decay. Based on the available evidence, the c.196G>T (p.Glu66Ter) variant is classified as pathogenic.

NM_000346.4(SOX9):c.196G>T (p.Glu66Ter)

Genes: SOX9 (SRY-box transcription factor 9; plus strand), LOC108021846 (SOX9 promoter region; plus strand). Cytogenetic location: 17q24.3.
Variant type: single nucleotide variant.
Coding change: c.196G>T on transcript NM_000346.4 (MANE Select); coding-DNA position 196, G replaced by T.
Protein change: p.Glu66Ter; replaces glutamic acid 66 with a stop codon.
Molecular consequence: nonsense.
Genome position (GRCh38, 1-based): chr17:72,121,587, G>T. VCF-style: chr17-72121587-G-T. GRCh37 (hg19) VCF-style: chr17-70117728-G-T.
Other names: short protein forms E66*.
Identifiers: ClinVar variation 692026 (VCV000692026.1), dbSNP rs759597531, ClinGen allele CA400865729.